The following is an entry in ClinVar:

NM_001939.3(DRP2):c.1082C>A (p.Ala361Glu)

Gene: DRP2 (dystrophin related protein 2; plus strand). Cytogenetic location: Xq22.1.
Variant type: single nucleotide variant.
Coding change: c.1082C>A on transcript NM_001939.3 (MANE Select); coding-DNA position 1082, C replaced by A.
Protein change: p.Ala361Glu; replaces alanine 361 with glutamic acid.
Molecular consequence: missense variant.
Genome position (GRCh38, 1-based): chrX:101,245,044, C>A. VCF-style: chrX-101245044-C-A. GRCh37 (hg19) VCF-style: chrX-100500033-C-A.
Other names: c.848C>A, p.Ala283Glu (NM_001171184.2); short protein forms A283E, A361E.
Identifiers: ClinVar variation 2124559 (VCV002124559.4), dbSNP rs2520273377, ClinGen allele CA413921619.

ClinVar aggregate classification (germline): Uncertain significance (1 of 4 stars; one submission).

Submission:

Labcorp Genetics (formerly Invitae), Labcorp
Classification: Uncertain significance. Last evaluated: 2022-04-11. Review status: criteria provided, single submitter. Criteria: Invitae Variant Classification Sherloc (09022015). Collection method: clinical testing. Allele origin: germline.
Comment: This variant is not present in population databases (gnomAD no frequency). This variant has not been reported in the literature in individuals affected with DRP2-related conditions. Algorithms developed to predict the effect of missense changes on protein structure and function are either unavailable or do not agree on the potential impact of this missense change (SIFT: "Deleterious"; PolyPhen-2: "Probably Damaging"; Align-GVGD: "Class C0"). In summary, the available evidence is currently insufficient to determine the role of this variant in disease. Therefore, it has been classified as a Variant of Uncertain Significance. This sequence change replaces alanine, which is neutral and non-polar, with glutamic acid, which is acidic and polar, at codon 361 of the DRP2 protein (p.Ala361Glu).